The following is an entry in ClinVar:

NM_005477.3(HCN4):c.2002C>T (p.Arg668Trp)

Gene: HCN4 (hyperpolarization activated cyclic nucleotide gated potassium channel 4; minus strand). Cytogenetic location: 15q24.1.
Variant type: single nucleotide variant.
Coding change: c.2002C>T on transcript NM_005477.3 (MANE Select); coding-DNA position 2002, C replaced by T.
Protein change: p.Arg668Trp; replaces arginine 668 with tryptophan.
Molecular consequence: missense variant.
Genome position (GRCh38, 1-based): chr15:73,324,230, G>A on the plus strand (C>T on the coding strand, the complement: HCN4 is on the minus strand). VCF-style: chr15-73324230-G-A. GRCh37 (hg19) VCF-style: chr15-73616571-G-A.
Other names: short protein forms R668W.
Identifiers: ClinVar variation 1479288 (VCV001479288.6), dbSNP rs2151215096, ClinGen allele CA393090356.

ClinVar aggregate classification (germline): Uncertain significance (1 of 4 stars; one submission).

Conditions:
Brugada syndrome 8 (BRGDA8). Identifiers: Orphanet 130, MedGen C2751083, MONDO:0013148, OMIM 613123.

gnomAD v4.1: 4 of 1,613,926 alleles (0.00025%); highest among the groups gnomAD compares: South Asian, 0.0011%; no homozygotes.

Submission:

Labcorp Genetics (formerly Invitae), Labcorp
Classification: Uncertain significance for Brugada syndrome 8. Last evaluated: 2025-11-26. Review status: criteria provided, single submitter. Criteria: Invitae Variant Classification Sherloc (09022015). Collection method: clinical testing. Allele origin: germline.
Comment: This sequence change replaces arginine, which is basic and polar, with tryptophan, which is neutral and slightly polar, at codon 668 of the HCN4 protein (p.Arg668Trp). This variant is not present in population databases (gnomAD no frequency). This variant has not been reported in the literature in individuals affected with HCN4-related conditions. ClinVar contains an entry for this variant (Variation ID: 1479288). Invitae Evidence Modeling of protein sequence and biophysical properties (such as structural, functional, and spatial information, amino acid conservation, physicochemical variation, residue mobility, and thermodynamic stability) indicates that this missense variant is expected to disrupt HCN4 protein function with a positive predictive value of 95%. In summary, the available evidence is currently insufficient to determine the role of this variant in disease. Therefore, it has been classified as a Variant of Uncertain Significance.